The following is an entry in ClinVar:

ClinVar aggregate classification (germline): Pathogenic (1 of 4 stars; one submission).

Submission:

Labcorp Genetics (formerly Invitae), Labcorp
Classification: Pathogenic. Last evaluated: 2025-08-18. Review status: criteria provided, single submitter. Criteria: Invitae Variant Classification Sherloc (09022015). Collection method: clinical testing. Allele origin: germline.
Comment: This sequence change affects an acceptor splice site in intron 18 of the ABCA12 gene. It is expected to disrupt RNA splicing. Variants that disrupt the donor or acceptor splice site typically lead to a loss of protein function (PMID: 16199547), and loss-of-function variants in ABCA12 are known to be pathogenic (PMID: 20672373). This variant is not present in population databases (gnomAD no frequency). Disruption of this splice site has been observed in individual(s) with lamellar ichthyosis (internal data). Algorithms developed to predict the effect of sequence changes on RNA splicing suggest that this variant may disrupt the consensus splice site. For these reasons, this variant has been classified as Pathogenic.

Literature cited by the submitters: PubMed 16199547; PubMed 20672373.

NM_173076.3(ABCA12):c.2473-2A>T

Gene: ABCA12 (ATP binding cassette subfamily A member 12; minus strand). Cytogenetic location: 2q35.
Variant type: single nucleotide variant.
Coding change: c.2473-2A>T on transcript NM_173076.3 (MANE Select); the canonical splice acceptor site of the intron before coding-DNA position 2473, A replaced by T.
Molecular consequence: splice acceptor variant.
Genome position (GRCh38, 1-based): chr2:215,007,848, T>A on the plus strand (A>T on the coding strand, the complement: ABCA12 is on the minus strand). VCF-style: chr2-215007848-T-A. GRCh37 (hg19) VCF-style: chr2-215872572-T-A.
Other names: c.1519-2A>T (NM_015657.4).
Identifiers: ClinVar variation 4725648 (VCV004725648.1).
Genomic context (GRCh38, chr2:215,007,848, plus strand): 5'-TCCATCCACTCTTGAGATTTTTCTCTTAATTCCGCCAGCTGTCTCAGAGTTACATTGGAC[T>A]TAATGACAAAGAAACAAAAGAAGTGTGATCCATTAGTATTTTGTCTATATTTTAACAAGG-3'